The following is an entry in ClinVar:

ClinVar aggregate classification (germline): Uncertain significance (1 of 4 stars; one submission).

Conditions:
Congenital myopathy with internal nuclei and atypical cores. Also called: Myopathy, centronuclear, 4. Identifiers: Orphanet 319160, MedGen C4707232, MONDO:0013890, OMIM 614807.

Allele frequency attached by ClinVar (database versions not stated): gnomAD 0.00001; gnomAD exomes 0.00001 and 0.00003; TOPMed 0.00001; ExAC 0.00005.
gnomAD v4.1: 18 of 1,608,032 alleles (0.0011%); highest among the groups gnomAD compares: Admixed American, 0.0017%; no homozygotes.

Submission:

Labcorp Genetics (formerly Invitae), Labcorp
Classification: Uncertain significance for Congenital myopathy with internal nuclei and atypical cores. Last evaluated: 2024-02-05. Review status: criteria provided, single submitter. Criteria: Invitae Variant Classification Sherloc (09022015). Collection method: clinical testing. Allele origin: germline.
Comment: This sequence change replaces leucine, which is neutral and non-polar, with valine, which is neutral and non-polar, at codon 86 of the CCDC78 protein (p.Leu86Val). This variant is present in population databases (rs748438652, gnomAD 0.008%). This variant has not been reported in the literature in individuals affected with CCDC78-related conditions. ClinVar contains an entry for this variant (Variation ID: 1508336). Advanced modeling of protein sequence and biophysical properties (such as structural, functional, and spatial information, amino acid conservation, physicochemical variation, residue mobility, and thermodynamic stability) has been performed at Invitae for this missense variant, however the output from this modeling did not meet the statistical confidence thresholds required to predict the impact of this variant on CCDC78 protein function. In summary, the available evidence is currently insufficient to determine the role of this variant in disease. Therefore, it has been classified as a Variant of Uncertain Significance.

NM_001378030.1(CCDC78):c.256C>G (p.Leu86Val)

Gene: CCDC78 (coiled-coil domain containing 78; minus strand). Cytogenetic location: 16p13.3.
Variant type: single nucleotide variant.
Coding change: c.256C>G on transcript NM_001378030.1 (MANE Select); coding-DNA position 256, C replaced by G.
Protein change: p.Leu86Val; replaces leucine 86 with valine.
Molecular consequence: missense variant. On other transcripts: 5 prime UTR variant (1), non-coding transcript variant (5).
Genome position (GRCh38, 1-based): chr16:725,805, G>C on the plus strand (C>G on the coding strand, the complement: CCDC78 is on the minus strand). VCF-style: chr16-725805-G-C. GRCh37 (hg19) VCF-style: chr16-775805-G-C.
Other names: c.256C>G, p.Leu86Val (NM_001031737.3, NM_001378031.1); c.-30C>G (NM_001378033.1); short protein forms L86V.
Identifiers: ClinVar variation 1508336 (VCV001508336.6), dbSNP rs748438652, ClinGen allele CA7789693.